The following is an entry in ClinVar:

NM_201599.3(ZMYM3):c.4056G>A (p.Leu1352=)

Gene: ZMYM3 (zinc finger MYM-type containing 3; minus strand). Cytogenetic location: Xq13.1.
Variant type: single nucleotide variant.
Coding change: c.4056G>A on transcript NM_201599.3 (MANE Select); coding-DNA position 4056, G replaced by A.
Protein change: p.Leu1352=; no amino-acid change (leucine 1352 retained).
Molecular consequence: synonymous variant.
Genome position (GRCh38, 1-based): chrX:71,240,973, C>T on the plus strand (G>A on the coding strand, the complement: ZMYM3 is on the minus strand). VCF-style: chrX-71240973-C-T. GRCh37 (hg19) VCF-style: chrX-70460823-C-T.
Other names: c.4020G>A, p.Leu1340= (NM_001171162.1); c.4056G>A, p.Leu1352= (NM_005096.3).
Identifiers: ClinVar variation 381891 (VCV000381891.1), dbSNP rs1057521196, ClinGen allele CA16608921.

ClinVar aggregate classification (germline): Likely benign (1 of 4 stars; one submission).

Allele frequency attached by ClinVar (database versions not stated): gnomAD exomes below 0.00001 and 0.00001; TOPMed 0.00001; gnomAD 0.00002.
gnomAD v4.1: 7 of 1,209,619 alleles (0.00058%); highest among the groups gnomAD compares: Non-Finnish European, 0.00078%; no homozygotes.

Submission:

GeneDx
Classification: Likely benign. Last evaluated: 2015-12-03. Review status: criteria provided, single submitter. Criteria: GeneDx Variant Classification (06012015). Collection method: clinical testing. Allele origin: germline. Affected: yes.
Comment: This variant is considered likely benign or benign based on one or more of the following criteria: it is a conservative change, it occurs at a poorly conserved position in the protein, it is predicted to be benign by multiple in silico algorithms, and/or has population frequency not consistent with disease.